The following is an entry in ClinVar:

NM_024529.5(CDC73):c.333C>T (p.Ser111=)

Gene: CDC73 (cell division cycle 73; plus strand). Cytogenetic location: 1q31.2.
Variant type: single nucleotide variant.
Coding change: c.333C>T on transcript NM_024529.5 (MANE Select); coding-DNA position 333, C replaced by T.
Protein change: p.Ser111=; no amino-acid change (serine 111 retained).
Molecular consequence: synonymous variant.
Genome position (GRCh38, 1-based): chr1:193,135,416, C>T. VCF-style: chr1-193135416-C-T. GRCh37 (hg19) VCF-style: chr1-193104546-C-T.
Identifiers: ClinVar variation 412634 (VCV000412634.33), dbSNP rs374834265, ClinGen allele CA1303331.
Genomic context (GRCh38, chr1:193,135,416, plus strand): 5'-TAGTAATCCTTACGTGAATCTTTTTATGTCTTCAGCAACATCGGCAAGTATAGACAGAAG[C>T]GCTCCCTTAGAAATAGGTCTTCAGCGATCTACTCAAGGTATGTCTTGTTGCATATTTATA-3'
Protein context (NP_078805.3, residues 101-121): EASTSASIDR[Ser111=]APLEIGLQRS

ClinVar aggregate classification (germline): Likely benign. Review status: criteria provided, multiple submitters, no conflicts (2 of 4 stars). 5 submissions from 5 submitters: Likely benign (4). 1 of the submissions does not count toward it. Last evaluated 2026-01-17.

Conditions:
CDC73-related disorder. Also called: CDC73-related disorders; CDC73-related condition. Identifiers: MedGen CN169292.
Hereditary cancer-predisposing syndrome. Also called: Tumor predisposition; Hereditary neoplastic syndrome; Hereditary Cancer Syndrome; Neoplastic Syndromes, Hereditary. Identifiers: Orphanet 140162, MedGen C0027672, MeSH D009386, MONDO:0015356.
Hyperparathyroidism 2 with jaw tumors. Also called: HYPERPARATHYROIDISM, FAMILIAL PRIMARY, WITH MULTIPLE OSSIFYING JAW FIBROMAS; HYPERPARATHYROIDISM-JAW TUMOR SYNDROME, HEREDITARY; Hyperparathyroidism 2; Hyperparathyroidism-Jaw Tumor Syndrome. Identifiers: Orphanet 99880, MedGen C1704981, MONDO:0007768, OMIM 145001.
Parathyroid carcinoma (PRTC). Also called: Parathyroid gland carcinoma; CDC73-Related Parathyroid Carcinoma. Identifiers: Orphanet 143, MedGen C0687150, MONDO:0012004, OMIM 608266, HP:0006780.
Hyperparathyroidism 1 (HRPT1). Also called: HYPERPARATHYROIDISM, FAMILIAL ISOLATED PRIMARY. Identifiers: Orphanet 99879, MedGen C1840402, MONDO:0007767, OMIM 145000.

Allele frequency attached by ClinVar (database versions not stated): ExAC 0.00006; gnomAD 0.00006 and 0.00007; gnomAD exomes 0.00006 and 0.00009; TOPMed 0.00011; 1000 Genomes Project 30x 0.00016; 1000 Genomes Project 0.00020; ESP Exome Variant Server 0.00031.
gnomAD v4.1: 140 of 1,613,536 alleles (0.0087%); highest among the groups gnomAD compares: Middle Eastern, 0.017%; no homozygotes.

Submissions (5):

Labcorp Genetics (formerly Invitae), Labcorp
Classification: Likely benign for Parathyroid carcinoma. Last evaluated: 2026-01-17. Review status: criteria provided, single submitter. Criteria: Invitae Variant Classification Sherloc (09022015). Collection method: clinical testing. Allele origin: germline.

CeGaT Center for Human Genetics Tuebingen
Classification: Likely benign. Last evaluated: 2024-08-01. Review status: criteria provided, single submitter. Criteria: CeGaT Center For Human Genetics Tuebingen Variant Classification Criteria Version 2. Collection method: clinical testing. Allele origin: germline. Affected: yes. Observed: 1 variant allele.
Comment: CDC73: BP4, BP7

Fulgent Genetics
Classification: Likely benign for Hyperparathyroidism 1; Hyperparathyroidism 2 with jaw tumors; Parathyroid carcinoma. Last evaluated: 2021-11-02. Review status: criteria provided, single submitter. Criteria: ACMG Guidelines, 2015. Collection method: clinical testing. Allele origin: unknown.

Ambry Genetics
Classification: Likely benign for Hereditary cancer-predisposing syndrome. Last evaluated: 2019-09-05. Review status: criteria provided, single submitter. Criteria: Ambry Variant Classification Scheme 2023. Collection method: clinical testing. Allele origin: germline.

PreventionGenetics, part of Exact Sciences
Classification: Likely benign for CDC73-related condition. Last evaluated: 2024-05-30. Review status: no assertion criteria provided. Collection method: clinical testing. Allele origin: germline. Not counted in ClinVar's aggregate classification.
Comment: This variant is classified as likely benign based on ACMG/AMP sequence variant interpretation guidelines (Richards et al. 2015 PMID: 25741868, with internal and published modifications).